The following is an entry in ClinVar:

ClinVar aggregate classification (germline): Uncertain significance (1 of 4 stars; one submission).

Conditions:
Hereditary nonpolyposis colorectal neoplasms. Identifiers: MedGen C0009405, MeSH D003123.

Submission:

Labcorp Genetics (formerly Invitae), Labcorp
Classification: Uncertain significance for Hereditary nonpolyposis colorectal neoplasms. Last evaluated: 2023-07-08. Review status: criteria provided, single submitter. Criteria: Invitae Variant Classification Sherloc (09022015). Collection method: clinical testing. Allele origin: germline.
Comment: Advanced modeling of protein sequence and biophysical properties (such as structural, functional, and spatial information, amino acid conservation, physicochemical variation, residue mobility, and thermodynamic stability) performed at Invitae indicates that this missense variant is not expected to disrupt MSH6 protein function. This variant has not been reported in the literature in individuals affected with MSH6-related conditions. This variant is not present in population databases (gnomAD no frequency). This sequence change replaces alanine, which is neutral and non-polar, with valine, which is neutral and non-polar, at codon 1302 of the MSH6 protein (p.Ala1302Val). In summary, the available evidence is currently insufficient to determine the role of this variant in disease. Therefore, it has been classified as a Variant of Uncertain Significance.

NM_000179.3(MSH6):c.3905C>T (p.Ala1302Val)

Gene: MSH6 (mutS homolog 6; plus strand). Cytogenetic location: 2p16.3.
Variant type: single nucleotide variant.
Coding change: c.3905C>T on transcript NM_000179.3 (MANE Select); coding-DNA position 3905, C replaced by T.
Protein change: p.Ala1302Val; replaces alanine 1302 with valine.
Molecular consequence: missense variant. On other transcripts: nonsense (1), non-coding transcript variant (5), intron variant (1).
Genome position (GRCh38, 1-based): chr2:47,806,555, C>T. VCF-style: chr2-47806555-C-T. GRCh37 (hg19) VCF-style: chr2-48033694-C-T.
Other names: c.3515C>T, p.Ala1172Val (NM_001281492.2); c.2999C>T, p.Ala1000Val (NM_001281493.2, NM_001281494.2, NM_001406811.1 and 6 more transcripts); c.4001C>T, p.Ala1334Val (NM_001406795.1); c.3905C>T, p.Ala1302Val (NM_001406796.1, NM_001406808.1, NM_001406809.1); c.3608C>T, p.Ala1203Val (NM_001406797.1, NM_001406801.1, NM_001406805.1 and 10 more transcripts); c.3731C>T, p.Ala1244Val (NM_001406798.1); c.3380C>T, p.Ala1127Val (NM_001406799.1, NM_001406806.1, NM_001406807.1); c.3892C>T, p.Gln1298Ter (NM_001406800.1); and 9 more; short protein forms A1014V, A1244V, A1302V, A1000V, A1127V, A1172V, A1246V, A780V.
Identifiers: ClinVar variation 2738992 (VCV002738992.3), dbSNP rs2104559738, ClinGen allele CA346761434.
Genomic context (GRCh38, chr2:47,806,555, plus strand): 5'-CTATTACGTTCCTCTATAAATTCATTAAGGGAGCTTGTCCTAAAAGCTATGGCTTTAATG[C>T]AGCAAGGCTTGCTAATCTCCCAGAGGAAGTTATTCAAAAGGGACATAGAAAAGCAAGAGA-3'
Protein context (NP_000170.1, residues 1292-1312): GACPKSYGFN[Ala1302Val]ARLANLPEEV